The following is an entry in ClinVar:

NM_005269.3(GLI1):c.816G>C (p.Trp272Cys)

Gene: GLI1 (GLI family zinc finger 1; plus strand). Cytogenetic location: 12q13.3.
Variant type: single nucleotide variant.
Coding change: c.816G>C on transcript NM_005269.3 (MANE Select); coding-DNA position 816, G replaced by C.
Protein change: p.Trp272Cys; replaces tryptophan 272 with cysteine.
Molecular consequence: missense variant.
Genome position (GRCh38, 1-based): chr12:57,466,293, G>C. VCF-style: chr12-57466293-G-C. GRCh37 (hg19) VCF-style: chr12-57860076-G-C.
Other names: c.432G>C, p.Trp144Cys (NM_001160045.2); c.693G>C, p.Trp231Cys (NM_001167609.2); short protein forms W144C, W231C, W272C.
Identifiers: ClinVar variation 3351364 (VCV003351364.1).

ClinVar aggregate classification (germline): Uncertain significance (0 of 4 stars; one submission).

Conditions:
GLI1-related disorder. Also called: GLI1-related condition.

gnomAD v4.1: 24 of 1,613,908 alleles (0.0015%); highest among the groups gnomAD compares: Non-Finnish European, 0.0019%; no homozygotes.

Submission:

PreventionGenetics, part of Exact Sciences
Classification: Uncertain significance for GLI1-related condition. Last evaluated: 2024-07-24. Review status: no assertion criteria provided. Collection method: clinical testing. Allele origin: germline.
Comment: The GLI1 c.816G>C variant is predicted to result in the amino acid substitution p.Trp272Cys. This variant was reported in an individual with developmental disorder, who also carried variants in three other genes (Table S1, Kaplanis et al 2020. PubMed ID: 33057194; search 16556 in Column B in Data S3, Zhou et al 2022. PubMed ID: 35982159). This variant is reported in 0.0029% of alleles in individuals of Latino descent in gnomAD. At this time, the clinical significance of this variant is uncertain due to the absence of conclusive functional and genetic evidence.